The following is an entry in ClinVar:

NM_015559.3(SETBP1):c.946G>A (p.Asp316Asn)

Gene: SETBP1 (SET binding protein 1; plus strand). Cytogenetic location: 18q12.3.
Variant type: single nucleotide variant.
Coding change: c.946G>A on transcript NM_015559.3 (MANE Select); coding-DNA position 946, G replaced by A.
Protein change: p.Asp316Asn; replaces aspartic acid 316 with asparagine.
Molecular consequence: missense variant.
Genome position (GRCh38, 1-based): chr18:44,950,286, G>A. VCF-style: chr18-44950286-G-A. GRCh37 (hg19) VCF-style: chr18-42530251-G-A.
Other names: c.946G>A, p.Asp316Asn (NM_001379141.1, NM_001379142.1); short protein forms D316N.
Identifiers: ClinVar variation 1494071 (VCV001494071.8), dbSNP rs1321414005, ClinGen allele CA402317173.

ClinVar aggregate classification (germline): Uncertain significance (1 of 4 stars; one submission).

Allele frequency attached by ClinVar (database versions not stated): gnomAD exomes below 0.00001; gnomAD 0.00001; TOPMed 0.00002.
gnomAD v4.1: 6 of 1,613,910 alleles (0.00037%); highest among the groups gnomAD compares: South Asian, 0.0022%; no homozygotes.

Submission:

Labcorp Genetics (formerly Invitae), Labcorp
Classification: Uncertain significance. Last evaluated: 2025-02-17. Review status: criteria provided, single submitter. Criteria: Invitae Variant Classification Sherloc (09022015). Collection method: clinical testing. Allele origin: germline.
Comment: This sequence change replaces aspartic acid, which is acidic and polar, with asparagine, which is neutral and polar, at codon 316 of the SETBP1 protein (p.Asp316Asn). This variant is present in population databases (no rsID available, gnomAD 0.0009%). This variant has not been reported in the literature in individuals affected with SETBP1-related conditions. ClinVar contains an entry for this variant (Variation ID: 1494071). Invitae Evidence Modeling of protein sequence and biophysical properties (such as structural, functional, and spatial information, amino acid conservation, physicochemical variation, residue mobility, and thermodynamic stability) indicates that this missense variant is not expected to disrupt SETBP1 protein function with a negative predictive value of 80%. In summary, the available evidence is currently insufficient to determine the role of this variant in disease. Therefore, it has been classified as a Variant of Uncertain Significance.